The following is an entry in ClinVar:

ClinVar aggregate classification (germline): Uncertain significance. Review status: criteria provided, multiple submitters, no conflicts (2 of 4 stars). 2 submissions from 2 submitters: Uncertain significance (2). Last evaluated 2025-07-30.

Conditions:
Hereditary cancer-predisposing syndrome. Also called: Hereditary Cancer Syndrome; Tumor predisposition; Hereditary neoplastic syndrome; Neoplastic Syndromes, Hereditary. Identifiers: Orphanet 140162, MedGen C0027672, MeSH D009386, MONDO:0015356.

Allele frequency attached by ClinVar (database versions not stated): gnomAD 0.00001; TOPMed 0.00002.
gnomAD v4.1: 2 of 1,579,118 alleles (0.00013%); highest among the groups gnomAD compares: African/African-American, 0.0028%; no homozygotes.

Submissions (2):

Labcorp Genetics (formerly Invitae), Labcorp
Classification: Uncertain significance. Last evaluated: 2025-07-30. Review status: criteria provided, single submitter. Criteria: Invitae Variant Classification Sherloc (09022015). Collection method: clinical testing. Allele origin: germline.
Comment: This sequence change replaces threonine, which is neutral and polar, with alanine, which is neutral and non-polar, at codon 2 of the CTNNA1 protein (p.Thr2Ala). This variant is not present in population databases (gnomAD no frequency). This variant has not been reported in the literature in individuals affected with CTNNA1-related conditions. ClinVar contains an entry for this variant (Variation ID: 1054328). An algorithm developed to predict the effect of missense changes on protein structure and function (PolyPhen-2) suggests that this variant is likely to be tolerated. In summary, the available evidence is currently insufficient to determine the role of this variant in disease. Therefore, it has been classified as a Variant of Uncertain Significance.

Ambry Genetics
Classification: Uncertain significance for Hereditary cancer-predisposing syndrome. Last evaluated: 2023-10-25. Review status: criteria provided, single submitter. Criteria: Ambry Variant Classification Scheme 2023. Collection method: clinical testing. Allele origin: germline.
Comment: The p.T2A variant (also known as c.4A>G), located in coding exon 1 of the CTNNA1 gene, results from an A to G substitution at nucleotide position 4. The threonine at codon 2 is replaced by alanine, an amino acid with similar properties. This amino acid position is highly conserved in available vertebrate species. In addition, this alteration is predicted to be tolerated by in silico analysis. Since supporting evidence is limited at this time, the clinical significance of this alteration remains unclear.

NM_001903.5(CTNNA1):c.4A>G (p.Thr2Ala)

Gene: CTNNA1 (catenin alpha 1; plus strand). Cytogenetic location: 5q31.2.
Variant type: single nucleotide variant.
Coding change: c.4A>G on transcript NM_001903.5 (MANE Select); coding-DNA position 4, A replaced by G.
Protein change: p.Thr2Ala; replaces threonine 2 with alanine.
Molecular consequence: missense variant. On other transcripts: 5 prime UTR variant (2).
Genome position (GRCh38, 1-based): chr5:138,781,928, A>G. VCF-style: chr5-138781928-A-G. GRCh37 (hg19) VCF-style: chr5-138117617-A-G.
Other names: c.4A>G, p.Thr2Ala (NM_001290307.3, NM_001323982.2, NM_001323983.1 and 3 more transcripts); c.-110A>G (NM_001290309.3); c.-203A>G (NM_001290310.3); short protein forms T2A.
Identifiers: ClinVar variation 1054328 (VCV001054328.9), dbSNP rs1248704890, ClinGen allele CA361477025.
Genomic context (GRCh38, chr5:138,781,928, plus strand): 5'-ATATTTCATGTTTGTGTTTGATGTTTGCCTGACTGACTTTTTGTTTCTTATTTAGAAATG[A>G]CTGCTGTCCATGCAGGCAACATAAACTTCAAGTGGGATCCTAAAAGTCTAGAGATCAGGA-3'
Protein context (NP_001894.2, residues 1-12): M[Thr2Ala]AVHAGNINFK